The following is an entry in ClinVar:

NM_014806.5(RUSC2):c.824A>G (p.Asn275Ser)

Gene: RUSC2 (RUN and SH3 domain containing 2; plus strand). Cytogenetic location: 9p13.3.
Variant type: single nucleotide variant.
Coding change: c.824A>G on transcript NM_014806.5 (MANE Select); coding-DNA position 824, A replaced by G.
Protein change: p.Asn275Ser; replaces asparagine 275 with serine.
Molecular consequence: missense variant. On other transcripts: non-coding transcript variant (1), intron variant (1).
Genome position (GRCh38, 1-based): chr9:35,547,345, A>G. VCF-style: chr9-35547345-A-G. GRCh37 (hg19) VCF-style: chr9-35547342-A-G.
Other names: c.824A>G, p.Asn275Ser (NM_001135999.2); c.-620-7715A>G (NM_001330740.2); short protein forms N275S.
Identifiers: ClinVar variation 1397772 (VCV001397772.5), dbSNP rs1350227958, ClinGen allele CA373329116.

ClinVar aggregate classification (germline): Uncertain significance (1 of 4 stars; one submission).

Allele frequency attached by ClinVar (database versions not stated): gnomAD exomes below 0.00001 and 0.00003; gnomAD 0.00001; TOPMed 0.00001.
gnomAD v4.1: 50 of 1,614,040 alleles (0.0031%); highest among the groups gnomAD compares: Non-Finnish European, 0.0042%; no homozygotes.

Submission:

Labcorp Genetics (formerly Invitae), Labcorp
Classification: Uncertain significance. Last evaluated: 2021-10-10. Review status: criteria provided, single submitter. Criteria: Invitae Variant Classification Sherloc (09022015). Collection method: clinical testing. Allele origin: germline.
Comment: In summary, the available evidence is currently insufficient to determine the role of this variant in disease. Therefore, it has been classified as a Variant of Uncertain Significance. Algorithms developed to predict the effect of sequence changes on RNA splicing suggest that this variant may create or strengthen a splice site, but this prediction has not been confirmed by published transcriptional studies. Algorithms developed to predict the effect of missense changes on protein structure and function are either unavailable or do not agree on the potential impact of this missense change (SIFT: "Deleterious"; PolyPhen-2: "Benign"; Align-GVGD: "Class C45"). This variant has not been reported in the literature in individuals with RUSC2-related conditions. This variant is not present in population databases (ExAC no frequency). This sequence change replaces asparagine with serine at codon 275 of the RUSC2 protein (p.Asn275Ser). The asparagine residue is highly conserved and there is a small physicochemical difference between asparagine and serine.